The following is an entry in ClinVar:

ClinVar aggregate classification (germline): Uncertain significance. Review status: criteria provided, multiple submitters, no conflicts (2 of 4 stars). 3 submissions from 3 submitters: Uncertain significance (3). Last evaluated 2025-06-08.

Conditions:
Classic or attenuated familial adenomatous polyposis. Identifiers: MedGen CN372698, MONDO:0021057.
Hereditary cancer-predisposing syndrome. Also called: Neoplastic Syndromes, Hereditary; Tumor predisposition; Hereditary Cancer Syndrome; Hereditary neoplastic syndrome. Identifiers: Orphanet 140162, MedGen C0027672, MeSH D009386, MONDO:0015356.

Submissions (3):

Ambry Genetics
Classification: Uncertain significance for Hereditary cancer-predisposing syndrome. Last evaluated: 2025-06-08. Review status: criteria provided, single submitter. Criteria: Ambry Variant Classification Scheme 2023. Collection method: clinical testing. Allele origin: germline.
Comment: The p.V704L variant (also known as c.2110G>C), located in coding exon 15 of the APC gene, results from a G to C substitution at nucleotide position 2110. The valine at codon 704 is replaced by leucine, an amino acid with highly similar properties. This amino acid position is conserved. In addition, in silico predictors for this gene do not accurately predict pathogenicity. Based on the available evidence, the clinical significance of this variant remains unclear.

All of Us Research Program, National Institutes of Health
Classification: Uncertain significance for Classic or attenuated familial adenomatous polyposis. Last evaluated: 2023-06-26. Review status: criteria provided, single submitter. Criteria: ACMG Guidelines, 2015. Collection method: clinical testing. Allele origin: germline. Inheritance: Autosomal dominant inheritance. Observed: 1 variant allele, 1 heterozygote.
Comment: This missense variant replaces valine with leucine at codon 704 of the APC protein. Computational prediction is inconclusive regarding the impact of this variant on protein structure and function (internally defined REVEL score threshold 0.5 < inconclusive < 0.7, PMID: 27666373). To our knowledge, functional studies have not been reported for this variant. This variant has not been reported in individuals affected with APC-related disorders in the literature. This variant has not been identified in the general population by the Genome Aggregation Database (gnomAD). The available evidence is insufficient to determine the role of this variant in disease conclusively. Therefore, this variant is classified as a Variant of Uncertain Significance.

This study involves interpretation of variants in research participants for the purpose of population health screening. Participant phenotype was not available at the time of variant classification. Additional details can be found in publication PMID: 35346344, PMCID: PMC8962531

Color Diagnostics, LLC DBA Color Health
Classification: Uncertain significance for Hereditary cancer-predisposing syndrome. Last evaluated: 2023-04-19. Review status: criteria provided, single submitter. Criteria: ACMG Guidelines, 2015. Collection method: clinical testing. Allele origin: germline.
Comment: This missense variant replaces valine with leucine at codon 704 of the APC protein. Computational prediction is inconclusive regarding the impact of this variant on protein structure and function (internally defined REVEL score threshold 0.5 < inconclusive < 0.7, PMID: 27666373). To our knowledge, functional studies have not been reported for this variant. This variant has not been reported in individuals affected with APC-related disorders in the literature. This variant has not been identified in the general population by the Genome Aggregation Database (gnomAD). The available evidence is insufficient to determine the role of this variant in disease conclusively. Therefore, this variant is classified as a Variant of Uncertain Significance.

NM_000038.6(APC):c.2110G>C (p.Val704Leu)

Gene: APC (APC regulator of Wnt signaling pathway; plus strand). Cytogenetic location: 5q22.2.
Variant type: single nucleotide variant.
Coding change: c.2110G>C on transcript NM_000038.6 (MANE Select); coding-DNA position 2110, G replaced by C.
Protein change: p.Val704Leu; replaces valine 704 with leucine.
Molecular consequence: missense variant. On other transcripts: non-coding transcript variant (2).
Genome position (GRCh38, 1-based): chr5:112,837,704, G>C. VCF-style: chr5-112837704-G-C. GRCh37 (hg19) VCF-style: chr5-112173401-G-C.
Other names: c.2110G>C, p.Val704Leu (NM_001127510.3, NM_001354895.2, NM_001407450.1); c.2056G>C, p.Val686Leu (NM_001127511.3); c.2164G>C, p.Val722Leu (NM_001354896.2, NM_001407447.1, NM_001407448.1 and 1 more transcripts); c.2140G>C, p.Val714Leu (NM_001354897.2); c.2035G>C, p.Val679Leu (NM_001354898.2); c.2026G>C, p.Val676Leu (NM_001354899.2); c.1987G>C, p.Val663Leu (NM_001354900.2); c.1933G>C, p.Val645Leu (NM_001354901.2, NM_001407453.1); and 12 more; short protein forms V320L, V578L, V676L, V421L, V613L, V621L, V714L, V722L.
Identifiers: ClinVar variation 2774809 (VCV002774809.4), dbSNP rs367804502, ClinGen allele CA16025941.